The following is an entry in ClinVar:

NM_005762.3(TRIM28):c.1841del (p.Pro614fs)

Gene: TRIM28 (tripartite motif containing 28; plus strand). Cytogenetic location: 19q13.43.
Variant type: Deletion.
Coding change: c.1841del on transcript NM_005762.3 (MANE Select); coding-DNA position 1841, one base deleted (C; older notation c.1841delC).
Protein change: p.Pro614fs; shifts the reading frame from proline 614.
Molecular consequence: frameshift variant.
Genome position (GRCh38, 1-based): chr19:58,549,509, C deleted; the last of 4 consecutive C bases (chr19:58,549,506-58,549,509); deleting any one gives the same sequence. VCF-style (leftmost placement, unchanged base first): chr19-58549505-GC-G. GRCh37 (hg19) VCF-style: chr19-59060872-GC-G.
Other names: short protein forms P614fs.
Identifiers: ClinVar variation 4736187 (VCV004736187.1).

ClinVar aggregate classification (germline): Pathogenic (1 of 4 stars; one submission).

Submission:

Labcorp Genetics (formerly Invitae), Labcorp
Classification: Pathogenic. Last evaluated: 2026-01-26. Review status: criteria provided, single submitter. Criteria: Invitae Variant Classification Sherloc (09022015). Collection method: clinical testing. Allele origin: germline.
Comment: This sequence change creates a premature translational stop signal (p.Pro614Glnfs*62) in the TRIM28 gene. It is expected to result in an absent or disrupted protein product. Loss-of-function variants in TRIM28 are known to be pathogenic (PMID: 30694527, 30885698). This variant is not present in population databases (gnomAD no frequency). This variant has not been reported in the literature in individuals affected with TRIM28-related conditions. For these reasons, this variant has been classified as Pathogenic.

Literature cited by the submitters: PubMed 30694527; PubMed 30885698.